The following is an entry in ClinVar:

ClinVar aggregate classification (germline): Uncertain significance (1 of 4 stars; one submission).

Allele frequency attached by ClinVar (database versions not stated): 1000 Genomes Project 30x 0.00031; 1000 Genomes Project 0.00040; gnomAD 0.00042; TOPMed 0.00043; ExAC 0.00045; ESP Exome Variant Server 0.00092.
gnomAD v4.1: 1,012 of 1,606,440 alleles (0.063%); highest among the groups gnomAD compares: Non-Finnish European, 0.08%; 1 homozygote.

Submission:

Labcorp Genetics (formerly Invitae), Labcorp
Classification: Uncertain significance. Last evaluated: 2024-09-30. Review status: criteria provided, single submitter. Criteria: Invitae Variant Classification Sherloc (09022015). Collection method: clinical testing. Allele origin: germline.
Comment: This sequence change creates a premature translational stop signal (p.Arg119*) in the TOP1MT gene. It is expected to result in an absent or disrupted protein product. However, the current clinical and genetic evidence is not sufficient to establish whether loss-of-function variants in TOP1MT cause disease. This variant is present in population databases (rs150442062, gnomAD 0.06%), and has an allele count higher than expected for a pathogenic variant. This variant has not been reported in the literature in individuals affected with TOP1MT-related conditions. ClinVar contains an entry for this variant (Variation ID: 2148776). In summary, the available evidence is currently insufficient to determine the role of this variant in disease. Therefore, it has been classified as a Variant of Uncertain Significance.

NM_052963.3(TOP1MT):c.355C>T (p.Arg119Ter)

Gene: TOP1MT (DNA topoisomerase I mitochondrial; minus strand). Cytogenetic location: 8q24.3.
Variant type: single nucleotide variant.
Coding change: c.355C>T on transcript NM_052963.3 (MANE Select); coding-DNA position 355, C replaced by T.
Protein change: p.Arg119Ter; replaces arginine 119 with a stop codon.
Molecular consequence: nonsense.
Genome position (GRCh38, 1-based): chr8:143,329,355, G>A on the plus strand (C>T on the coding strand, the complement: TOP1MT is on the minus strand). VCF-style: chr8-143329355-G-A. GRCh37 (hg19) VCF-style: chr8-144411525-G-A.
Other names: c.61C>T, p.Arg21Ter (NM_001258446.1, NM_001258447.1); short protein forms R119*, R21*.
Identifiers: ClinVar variation 2148776 (VCV002148776.3), dbSNP rs150442062, ClinGen allele CA4908899.